The following is an entry in ClinVar:

ClinVar aggregate classification (germline): Pathogenic (1 of 4 stars; one submission).

Submission:

Labcorp Genetics (formerly Invitae), Labcorp
Classification: Pathogenic. Last evaluated: 2023-08-25. Review status: criteria provided, single submitter. Criteria: Invitae Variant Classification Sherloc (09022015). Collection method: clinical testing. Allele origin: germline.
Comment: This sequence change creates a premature translational stop signal (p.Asp2219Thrfs*4) in the ZNF469 gene. While this is not anticipated to result in nonsense mediated decay, it is expected to disrupt the last 1707 amino acid(s) of the ZNF469 protein. This variant is not present in population databases (gnomAD no frequency). This variant has not been reported in the literature in individuals affected with ZNF469-related conditions. This variant disrupts a region of the ZNF469 protein in which other variant(s) (p.Arg3414Glyfs*59) have been determined to be pathogenic (PMID: 32671420). This suggests that this is a clinically significant region of the protein, and that variants that disrupt it are likely to be disease-causing. For these reasons, this variant has been classified as Pathogenic.

Literature cited by the submitters: PubMed 32671420.

NM_001367624.2(ZNF469):c.6735del (p.Asp2247fs)

Gene: ZNF469 (zinc finger protein 469; plus strand). Cytogenetic location: 16q24.2.
Variant type: Deletion.
Coding change: c.6735del on transcript NM_001367624.2 (MANE Select); coding-DNA position 6735, one base deleted (C; older notation c.6735delC).
Protein change: p.Asp2247fs; shifts the reading frame from aspartic acid 2247.
Molecular consequence: frameshift variant.
Genome position (GRCh38, 1-based): chr16:88,434,205, C deleted; the last of 5 consecutive C bases (chr16:88,434,201-88,434,205); deleting any one gives the same sequence. VCF-style (leftmost placement, unchanged base first): chr16-88434200-AC-A. GRCh37 (hg19) VCF-style: chr16-88500608-AC-A.
Other names: short protein forms D2247fs.
Identifiers: ClinVar variation 2755091 (VCV002755091.3), dbSNP rs2507594334, ClinGen allele CA2697556046.